The following is an entry in ClinVar:

NM_020693.4(DSCAML1):c.5872C>A (p.Pro1958Thr)

Gene: DSCAML1 (DS cell adhesion molecule like 1; minus strand). Cytogenetic location: 11q23.3.
Variant type: single nucleotide variant.
Coding change: c.5872C>A on transcript NM_020693.4 (MANE Select); coding-DNA position 5872, C replaced by A.
Protein change: p.Pro1958Thr; replaces proline 1958 with threonine.
Molecular consequence: missense variant.
Genome position (GRCh38, 1-based): chr11:117,428,618, G>T on the plus strand (C>A on the coding strand, the complement: DSCAML1 is on the minus strand). VCF-style: chr11-117428618-G-T. GRCh37 (hg19) VCF-style: chr11-117299334-G-T.
Other names: short protein forms P1958T.
Identifiers: ClinVar variation 2135117 (VCV002135117.4), dbSNP rs2542952247, ClinGen allele CA382751233.

ClinVar aggregate classification (germline): Uncertain significance (1 of 4 stars; one submission).

Submission:

Labcorp Genetics (formerly Invitae), Labcorp
Classification: Uncertain significance. Last evaluated: 2022-05-25. Review status: criteria provided, single submitter. Criteria: Invitae Variant Classification Sherloc (09022015). Collection method: clinical testing. Allele origin: germline.
Comment: Algorithms developed to predict the effect of missense changes on protein structure and function are either unavailable or do not agree on the potential impact of this missense change (SIFT: "Deleterious"; PolyPhen-2: "Benign"; Align-GVGD: "Class C0"). In summary, the available evidence is currently insufficient to determine the role of this variant in disease. Therefore, it has been classified as a Variant of Uncertain Significance. This variant has not been reported in the literature in individuals affected with DSCAML1-related conditions. This variant is not present in population databases (gnomAD no frequency). This sequence change replaces proline, which is neutral and non-polar, with threonine, which is neutral and polar, at codon 2018 of the DSCAML1 protein (p.Pro2018Thr).